The following is an entry in ClinVar:

NM_007294.4(BRCA1):c.5057dup (p.His1686fs)

Gene: BRCA1 (BRCA1 DNA repair associated; minus strand). Cytogenetic location: 17q21.31.
Variant type: Duplication.
Coding change: c.5057dup on transcript NM_007294.4 (MANE Select); coding-DNA position 5057, one base duplicated (A; older notation c.5057dupA).
Protein change: p.His1686fs; shifts the reading frame from histidine 1686.
Molecular consequence: frameshift variant. On other transcripts: intron variant (1).
Genome position (GRCh38, 1-based): chr17:43,067,625, T duplicated on the plus strand (A on the coding strand, the reverse complement: BRCA1 is on the minus strand). VCF-style (leftmost placement, unchanged base first): chr17-43067624-A-AT. GRCh37 (hg19) VCF-style: chr17-41219641-A-AT.
Other names: c.4844dup, p.His1615fs (NM_001407571.1, NM_001407894.1, NM_001407895.1 and 12 more transcripts); c.5123dup, p.His1708fs (NM_001407581.1, NM_001407582.1); c.5120dup, p.His1707fs (NM_001407583.1, NM_001407585.1, NM_001407587.1 and 1 more transcripts); c.5117dup, p.His1706fs (NM_001407590.1, NM_001407591.1); c.5057dup, p.His1686fs (NM_001407593.1, NM_001407594.1, NM_001407596.1 and 8 more transcripts); c.5054dup, p.His1685fs (NM_001407610.1, NM_001407611.1, NM_001407612.1 and 17 more transcripts); c.5051dup, p.His1684fs (NM_001407627.1, NM_001407628.1, NM_001407629.1 and 14 more transcripts); c.5048dup, p.His1683fs (NM_001407644.1, NM_001407645.1); and 71 more; short protein forms H1389fs, H1390fs, H1517fs, H1532fs, H1557fs, H1558fs, H1559fs, H1573fs.
Identifiers: ClinVar variation 4533111 (VCV004533111.1).

ClinVar aggregate classification (germline): Pathogenic (1 of 4 stars; one submission).

Submission:

Quest Diagnostics Nichols Institute San Juan Capistrano
Classification: Pathogenic. Last evaluated: 2025-05-05. Review status: criteria provided, single submitter. Criteria: Quest Diagnostics criteria. Collection method: clinical testing. Allele origin: unknown.
Comment: The BRCA1 c.5057dup (p.His1686Glnfs*9) variant alters the translational reading frame of the BRCA1 mRNA and causes the premature termination of BRCA1 protein synthesis. This variant has been reported in the published literature in individuals with breast cancer (PMID: 37415649 (2023)) or a BRCA1-related cancer (PMID: 35753294 (2022)). This variant has not been reported in large, multi-ethnic general populations (Genome Aggregation Database). Based on the available information, this variant is classified as pathogenic.

Literature cited by the submitters: PubMed 37415649; PubMed 35753294.